The following is an entry in ClinVar:

NM_032444.4(SLX4):c.3728G>A (p.Ser1243Asn)

Gene: SLX4 (SLX4 structure-specific endonuclease subunit; minus strand). Cytogenetic location: 16p13.3.
Variant type: single nucleotide variant.
Coding change: c.3728G>A on transcript NM_032444.4 (MANE Select); coding-DNA position 3728, G replaced by A.
Protein change: p.Ser1243Asn; replaces serine 1243 with asparagine.
Molecular consequence: missense variant.
Genome position (GRCh38, 1-based): chr16:3,589,910, C>T on the plus strand (G>A on the coding strand, the complement: SLX4 is on the minus strand). VCF-style: chr16-3589910-C-T. GRCh37 (hg19) VCF-style: chr16-3639911-C-T.
Other names: short protein forms S1243N.
Identifiers: ClinVar variation 2133882 (VCV002133882.4), dbSNP rs2151122968, ClinGen allele CA394519526.

ClinVar aggregate classification (germline): Uncertain significance (1 of 4 stars; one submission).

Conditions:
Fanconi anemia (FA). Also called: Fanconi's anemia. Identifiers: Orphanet 84, MedGen C0015625, MeSH D005199, MONDO:0019391.

Submission:

Labcorp Genetics (formerly Invitae), Labcorp
Classification: Uncertain significance for Fanconi anemia. Last evaluated: 2022-05-04. Review status: criteria provided, single submitter. Criteria: Invitae Variant Classification Sherloc (09022015). Collection method: clinical testing. Allele origin: germline.
Comment: In summary, the available evidence is currently insufficient to determine the role of this variant in disease. Therefore, it has been classified as a Variant of Uncertain Significance. Algorithms developed to predict the effect of missense changes on protein structure and function output the following: SIFT: "Tolerated"; PolyPhen-2: "Benign"; Align-GVGD: "Class C0". The asparagine amino acid residue is found in multiple mammalian species, which suggests that this missense change does not adversely affect protein function. This variant has not been reported in the literature in individuals affected with SLX4-related conditions. This variant is not present in population databases (gnomAD no frequency). This sequence change replaces serine, which is neutral and polar, with asparagine, which is neutral and polar, at codon 1243 of the SLX4 protein (p.Ser1243Asn).